The following is an entry in ClinVar:

ClinVar aggregate classification (germline): Uncertain significance (1 of 4 stars; one submission).

Conditions:
RASopathy. Also called: rasopathies; Noonan spectrum disorder. Identifiers: Orphanet 536391, MedGen C5555857, MONDO:0021060.

gnomAD v4.1: 1 of 1,614,206 alleles (0.000062%); highest among the groups gnomAD compares: Non-Finnish European, 0.000085%; no homozygotes.

Submission:

Labcorp Genetics (formerly Invitae), Labcorp
Classification: Uncertain significance for RASopathy. Last evaluated: 2025-03-27. Review status: criteria provided, single submitter. Criteria: Invitae Variant Classification Sherloc (09022015). Collection method: clinical testing. Allele origin: germline.
Comment: This sequence change replaces arginine, which is basic and polar, with glycine, which is neutral and non-polar, at codon 499 of the CBL protein (p.Arg499Gly). This variant is not present in population databases (gnomAD no frequency). This variant has not been reported in the literature in individuals affected with CBL-related conditions. Invitae Evidence Modeling of protein sequence and biophysical properties (such as structural, functional, and spatial information, amino acid conservation, physicochemical variation, residue mobility, and thermodynamic stability) has been performed for this missense variant. However, the output from this modeling did not meet the statistical confidence thresholds required to predict the impact of this variant on CBL protein function. In summary, the available evidence is currently insufficient to determine the role of this variant in disease. Therefore, it has been classified as a Variant of Uncertain Significance.

NM_005188.4(CBL):c.1495C>G (p.Arg499Gly)

Gene: CBL (Cbl proto-oncogene; plus strand). Cytogenetic location: 11q23.3.
Variant type: single nucleotide variant.
Coding change: c.1495C>G on transcript NM_005188.4 (MANE Select); coding-DNA position 1495, C replaced by G.
Protein change: p.Arg499Gly; replaces arginine 499 with glycine.
Molecular consequence: missense variant.
Genome position (GRCh38, 1-based): chr11:119,285,032, C>G. VCF-style: chr11-119285032-C-G. GRCh37 (hg19) VCF-style: chr11-119155742-C-G.
Other names: short protein forms R499G.
Identifiers: ClinVar variation 4800616 (VCV004800616.1).